The following is an entry in ClinVar:

NM_002234.4(KCNA5):c.1681G>A (p.Gly561Arg)

Gene: KCNA5 (potassium voltage-gated channel subfamily A member 5; plus strand). Cytogenetic location: 12p13.32.
Variant type: single nucleotide variant.
Coding change: c.1681G>A on transcript NM_002234.4 (MANE Select); coding-DNA position 1681, G replaced by A.
Protein change: p.Gly561Arg; replaces glycine 561 with arginine.
Molecular consequence: missense variant.
Genome position (GRCh38, 1-based): chr12:5,045,828, G>A. VCF-style: chr12-5045828-G-A. GRCh37 (hg19) VCF-style: chr12-5154994-G-A.
Other names: short protein forms G561R.
Identifiers: ClinVar variation 3655276 (VCV003655276.2).

ClinVar aggregate classification (germline): Uncertain significance (1 of 4 stars; one submission).

Conditions:
Atrial fibrillation, familial, 7 (ATFB7). Identifiers: MedGen C2677106, MONDO:0012828, OMIM 612240.

Submission:

Labcorp Genetics (formerly Invitae), Labcorp
Classification: Uncertain significance for Atrial fibrillation, familial, 7. Last evaluated: 2024-06-02. Review status: criteria provided, single submitter. Criteria: Invitae Variant Classification Sherloc (09022015). Collection method: clinical testing. Allele origin: germline.
Comment: This sequence change replaces glycine, which is neutral and non-polar, with arginine, which is basic and polar, at codon 561 of the KCNA5 protein (p.Gly561Arg). This variant is not present in population databases (gnomAD no frequency). This variant has not been reported in the literature in individuals affected with KCNA5-related conditions. An algorithm developed to predict the effect of missense changes on protein structure and function (PolyPhen-2) suggests that this variant is likely to be tolerated. In summary, the available evidence is currently insufficient to determine the role of this variant in disease. Therefore, it has been classified as a Variant of Uncertain Significance.